The following is an entry in ClinVar:

NM_144966.5(FREM1):c.*2664A>G

Gene: FREM1 (FRAS1 related extracellular matrix 1; minus strand). Cytogenetic location: 9p22.3.
Variant type: single nucleotide variant.
Coding change: c.*2664A>G on transcript NM_144966.5; 2664 bases downstream of the stop codon, A replaced by G.
Genome position (GRCh38, 1-based): chr9:14,734,732, T>C on the plus strand (A>G on the coding strand, the complement: FREM1 is on the minus strand). VCF-style: chr9-14734732-T-C. GRCh37 (hg19) VCF-style: chr9-14734730-T-C.
Identifiers: ClinVar variation 366050 (VCV000366050.7), dbSNP rs534652522, ClinGen allele CA10633384.

ClinVar aggregate classification (germline): Likely benign (1 of 4 stars; one submission).

Conditions:
Oculotrichoanal syndrome (MOTA). Also called: MARLES SYNDROME; Manitoba Oculotrichoanal (MOTA) Syndrome. Identifiers: Orphanet 2717, MedGen C1855425, MONDO:0009560, OMIM 248450.

Allele frequency attached by ClinVar (database versions not stated): TOPMed 0.00011; 1000 Genomes Project 0.00060; gnomAD 0.00009 and 0.00010; 1000 Genomes Project 30x 0.00062.

Submission:

Illumina Laboratory Services, Illumina
Classification: Likely benign for Oculotrichoanal syndrome. Last evaluated: 2018-01-13. Review status: criteria provided, single submitter. Criteria: ICSL Variant Classification Criteria 13 December 2019. Collection method: clinical testing. Allele origin: germline.
Comment: This variant was observed in the ICSL laboratory as part of a predisposition screen in an ostensibly healthy population. It had not been previously curated by ICSL or reported in the Human Gene Mutation Database (HGMD: prior to June 1st, 2018), and was therefore a candidate for classification through an automated scoring system. Utilizing variant allele frequency, disease prevalence and penetrance estimates, and inheritance mode, an automated score was calculated to assess if this variant is too frequent to cause the disease. Based on the score and internal cut-off values, a variant classified as likely benign is not then subjected to further curation. The score for this variant resulted in a classification of likely benign for this disease.